The following is an entry in ClinVar:

NM_001349798.2(FBXW7):c.631G>T (p.Asp211Tyr)

Gene: FBXW7 (F-box and WD repeat domain containing 7; minus strand). Cytogenetic location: 4q31.3.
Variant type: single nucleotide variant.
Coding change: c.631G>T on transcript NM_001349798.2 (MANE Select); coding-DNA position 631, G replaced by T.
Protein change: p.Asp211Tyr; replaces aspartic acid 211 with tyrosine.
Molecular consequence: missense variant.
Genome position (GRCh38, 1-based): chr4:152,347,025, C>A on the plus strand (G>T on the coding strand, the complement: FBXW7 is on the minus strand). VCF-style: chr4-152347025-C-A. GRCh37 (hg19) VCF-style: chr4-153268177-C-A.
Other names: c.277G>T, p.Asp93Tyr (NM_001013415.2); c.391G>T, p.Asp131Tyr (NM_018315.5); c.631G>T, p.Asp211Tyr (NM_033632.3); short protein forms D131Y, D211Y, D93Y.
Identifiers: ClinVar variation 2506822 (VCV002506822.2), dbSNP rs2126635864, ClinGen allele CA358615730.

ClinVar aggregate classification (germline): Uncertain significance. Review status: criteria provided, multiple submitters, no conflicts (2 of 4 stars). 2 submissions from 2 submitters: Uncertain significance (2). Last evaluated 2024-04-24.

Submissions (2):

Women's Health and Genetics/Laboratory Corporation of America, LabCorp
Classification: Uncertain significance. Last evaluated: 2024-04-24. Review status: criteria provided, single submitter. Criteria: LabCorp Variant Classification Summary - May 2015. Collection method: clinical testing. Allele origin: germline.
Comment: Variant summary: FBXW7 c.631G>T (p.Asp211Tyr) results in a non-conservative amino acid change in the encoded protein sequence. Three of five in-silico tools predict a damaging effect of the variant on protein function. The variant was absent in 251230 control chromosomes. The available data on variant occurrences in the general population are insufficient to allow any conclusion about variant significance. To our knowledge, no occurrence of c.631G>T in individuals affected with Developmental Delay, Hypotonia, And Impaired Language and no experimental evidence demonstrating its impact on protein function have been reported. ClinVar contains an entry for this variant (Variation ID: 2506822). Based on the evidence outlined above, the variant was classified as uncertain significance.

GeneDx
Classification: Uncertain significance. Last evaluated: 2022-12-20. Review status: criteria provided, single submitter. Criteria: GeneDx Variant Classification Process June 2021. Collection method: clinical testing. Allele origin: germline. Affected: yes.
Comment: Not observed at significant frequency in large population cohorts (gnomAD); In silico analysis supports that this missense variant does not alter protein structure/function; Has not been previously published as pathogenic or benign to our knowledge